The following is an entry in ClinVar:

ClinVar aggregate classification (germline): Likely pathogenic (1 of 4 stars; one submission).

Conditions:
Autosomal recessive polycystic kidney disease (ARPKD). Also called: AR polycystic kidney disease. Identifiers: Orphanet 731, Orphanet 8378, MedGen C0085548, MeSH D017044, MONDO:0009889.

Submission:

Natera, Inc.
Classification: Likely pathogenic for Autosomal recessive polycystic kidney disease. Last evaluated: 2025-07-14. Review status: criteria provided, single submitter. Criteria: Natera Variant Classification Schema (03/2026). Collection method: clinical testing. Allele origin: germline.
Comment: The c.7110-1G>C variant in PKHD1 is a canonical splice acceptor site variant predicted to affect pre-mRNA splicing, which may result in an abnormal transcript and altered protein product. This variant is expected to result in nonsense mediated decay, truncation, or a dysfunctional protein product. This variant is rare in the general population with a frequency below the threshold expected for the associated phenotype(s). Given the available evidence, this variant is classified as Likely Pathogenic.

NM_138694.4(PKHD1):c.7110-1G>C

Gene: PKHD1 (PKHD1 ciliary IPT domain containing fibrocystin/polyductin; minus strand). Cytogenetic location: 6p12.2.
Variant type: single nucleotide variant.
Coding change: c.7110-1G>C on transcript NM_138694.4 (MANE Select); the canonical splice acceptor site of the intron before coding-DNA position 7110, G replaced by C.
Molecular consequence: splice acceptor variant.
Genome position (GRCh38, 1-based): chr6:51,885,973, C>G on the plus strand (G>C on the coding strand, the complement: PKHD1 is on the minus strand). VCF-style: chr6-51885973-C-G. GRCh37 (hg19) VCF-style: chr6-51750771-C-G.
Other names: c.7110-1G>C (NM_170724.3).
Identifiers: ClinVar variation 4816735 (VCV004816735.1).
Genomic context (GRCh38, chr6:51,885,973, plus strand): 5'-GTGGTGCCAGTGACATTATCCCAAGGTGGCTGAAATTTAGGGTATACAAAGAGACCATAC[C>G]TAAAAAGTGAAACAGAATGAAATTAAGCCAATTTTTATGTTTCTAACTTTCTACTTTTTC-3'